The following is an entry in ClinVar:

NM_138927.4(SON):c.3156del (p.Met1053fs)

Gene: SON (SON DNA and RNA binding protein; plus strand). Cytogenetic location: 21q22.11.
Variant type: Deletion.
Coding change: c.3156del on transcript NM_138927.4 (MANE Select); coding-DNA position 3156, one base deleted (T; older notation c.3156delT).
Protein change: p.Met1053fs; shifts the reading frame from methionine 1053.
Molecular consequence: frameshift variant. On other transcripts: non-coding transcript variant (1), intron variant (1).
Genome position (GRCh38, 1-based): chr21:33,552,387, T deleted. VCF-style (leftmost placement, unchanged base first): chr21-33552386-CT-C. GRCh37 (hg19) VCF-style: chr21-34924692-CT-C.
Other names: c.3156delT, p.Met1053Trpfs (NM_138926.1, NM_001412133.1, NM_058183.2); c.245-4769del (NM_001291412.3); c.3156del, p.Met1053fs (NM_001291411.2, NM_032195.3); short protein forms M1053fs.
Identifiers: ClinVar variation 1708239 (VCV001708239.2), dbSNP rs2517368907, ClinGen allele CA2580098612.

ClinVar aggregate classification (germline): Pathogenic (1 of 4 stars; one submission).

Conditions:
ZTTK syndrome (ZTTKS). Also called: ZTTK MULTIPLE CONGENITAL ANOMALIES-MENTAL RETARDATION SYNDROME; Zhu-Tokita-Takenouchi-Kim Syndrome. Identifiers: Orphanet 500150, MedGen C4310696, MONDO:0014936, OMIM 617140.

Submission:

Genetics Laboratory, UDIAT-Centre Diagnòstic, Hospital Universitari Parc Tauli
Classification: Pathogenic for ZTTK syndrome. Last evaluated: 2022-10-04. Review status: criteria provided, single submitter. Criteria: Parc Tauli Hospital Assertion Criteria 2021. Collection method: clinical testing. Allele origin: de novo. Inheritance: Autosomal dominant inheritance. Affected: yes.
Comment: PVS1;PM2_supporting;PM6